The following is an entry in ClinVar:

ClinVar aggregate classification (germline): Uncertain significance (1 of 4 stars; one submission).

Conditions:
Hereditary nonpolyposis colorectal neoplasms. Identifiers: MedGen C0009405, MeSH D003123.

Submission:

Labcorp Genetics (formerly Invitae), Labcorp
Classification: Uncertain significance for Hereditary nonpolyposis colorectal neoplasms. Last evaluated: 2025-02-16. Review status: criteria provided, single submitter. Criteria: Invitae Variant Classification Sherloc (09022015). Collection method: clinical testing. Allele origin: germline.
Comment: This sequence change replaces valine, which is neutral and non-polar, with leucine, which is neutral and non-polar, at codon 398 of the MSH6 protein (p.Val398Leu). This variant is not present in population databases (gnomAD no frequency). This variant has not been reported in the literature in individuals affected with MSH6-related conditions. ClinVar contains an entry for this variant (Variation ID: 582516). Invitae Evidence Modeling of protein sequence and biophysical properties (such as structural, functional, and spatial information, amino acid conservation, physicochemical variation, residue mobility, and thermodynamic stability) indicates that this missense variant is not expected to disrupt MSH6 protein function with a negative predictive value of 95%. In summary, the available evidence is currently insufficient to determine the role of this variant in disease. Therefore, it has been classified as a Variant of Uncertain Significance.

NM_000179.3(MSH6):c.1192G>C (p.Val398Leu)

Gene: MSH6 (mutS homolog 6; plus strand). Cytogenetic location: 2p16.3.
Variant type: single nucleotide variant.
Coding change: c.1192G>C on transcript NM_000179.3 (MANE Select); coding-DNA position 1192, G replaced by C.
Protein change: p.Val398Leu; replaces valine 398 with leucine.
Molecular consequence: missense variant.
Genome position (GRCh38, 1-based): chr2:47,799,175, G>C. VCF-style: chr2-47799175-G-C. GRCh37 (hg19) VCF-style: chr2-48026314-G-C.
Other names: c.802G>C, p.Val268Leu (NM_001281492.2); c.286G>C, p.Val96Leu (NM_001281493.2, NM_001281494.2); short protein forms V398L, V268L, V96L.
Identifiers: ClinVar variation 582516 (VCV000582516.9), dbSNP rs780350978, ClinGen allele CA346743374.
Genomic context (GRCh38, chr2:47,799,175, plus strand): 5'-AGAAGAGATGAGCACAGGAGGAGGCCTGATCACCCCGATTTTGATGCATCTACACTCTAT[G>C]TGCCTGAGGATTTCCTCAATTCTTGTACTCCTGGGATGAGGAAGTGGTGGCAGATTAAGT-3'
Protein context (NP_000170.1, residues 388-408): HPDFDASTLY[Val398Leu]PEDFLNSCTP